The following is an entry in ClinVar:

NM_002471.4(MYH6):c.4212G>T (p.Glu1404Asp)

Gene: MYH6 (myosin heavy chain 6; minus strand). Cytogenetic location: 14q11.2.
Variant type: single nucleotide variant.
Coding change: c.4212G>T on transcript NM_002471.4 (MANE Select); coding-DNA position 4212, G replaced by T.
Protein change: p.Glu1404Asp; replaces glutamic acid 1404 with aspartic acid.
Molecular consequence: missense variant.
Genome position (GRCh38, 1-based): chr14:23,388,302, C>A on the plus strand (G>T on the coding strand, the complement: MYH6 is on the minus strand). VCF-style: chr14-23388302-C-A. GRCh37 (hg19) VCF-style: chr14-23857511-C-A.
Other names: short protein forms E1404D.
Identifiers: ClinVar variation 1063155 (VCV001063155.9), dbSNP rs2138588709, ClinGen allele CA388999576.

ClinVar aggregate classification (germline): Uncertain significance (1 of 4 stars; one submission).

Conditions:
Hypertrophic cardiomyopathy 14. Identifiers: MedGen C2750467, MONDO:0013197, OMIM 613251.

Submission:

Labcorp Genetics (formerly Invitae), Labcorp
Classification: Uncertain significance for Hypertrophic cardiomyopathy 14. Last evaluated: 2024-08-31. Review status: criteria provided, single submitter. Criteria: Invitae Variant Classification Sherloc (09022015). Collection method: clinical testing. Allele origin: germline.
Comment: This sequence change replaces glutamic acid, which is acidic and polar, with aspartic acid, which is acidic and polar, at codon 1404 of the MYH6 protein (p.Glu1404Asp). This variant is not present in population databases (gnomAD no frequency). This variant has not been reported in the literature in individuals affected with MYH6-related conditions. ClinVar contains an entry for this variant (Variation ID: 1063155). Invitae Evidence Modeling of protein sequence and biophysical properties (such as structural, functional, and spatial information, amino acid conservation, physicochemical variation, residue mobility, and thermodynamic stability) indicates that this missense variant is not expected to disrupt MYH6 protein function with a negative predictive value of 80%. In summary, the available evidence is currently insufficient to determine the role of this variant in disease. Therefore, it has been classified as a Variant of Uncertain Significance.